The following is an entry in ClinVar:

NM_182916.3(TRNT1):c.1177A>T (p.Ile393Phe)

Gene: TRNT1 (tRNA nucleotidyl transferase 1; plus strand). Cytogenetic location: 3p26.2.
Variant type: single nucleotide variant.
Coding change: c.1177A>T on transcript NM_182916.3 (MANE Select); coding-DNA position 1177, A replaced by T.
Protein change: p.Ile393Phe; replaces isoleucine 393 with phenylalanine.
Molecular consequence: missense variant. On other transcripts: non-coding transcript variant (8).
Genome position (GRCh38, 1-based): chr3:3,148,026, A>T. VCF-style: chr3-3148026-A-T. GRCh37 (hg19) VCF-style: chr3-3189710-A-T.
Other names: c.1117A>T, p.Ile373Phe (NM_001302946.2); c.1177A>T, p.Ile393Phe (NM_001367321.1, NM_001367322.1, NM_001367323.1); short protein forms I373F, I393F.
Identifiers: ClinVar variation 3708241 (VCV003708241.2).

ClinVar aggregate classification (germline): Uncertain significance (1 of 4 stars; one submission).

Conditions:
Congenital sideroblastic anemia-B-cell immunodeficiency-periodic fever-developmental delay syndrome. Also called: Sideroblastic anemia with B-cell immunodeficiency, periodic fevers, and developmental delay. Identifiers: Orphanet 369861, MedGen C4015172, MONDO:0014487, OMIM 616084.

Submission:

Labcorp Genetics (formerly Invitae), Labcorp
Classification: Uncertain significance for Congenital sideroblastic anemia-B-cell immunodeficiency-periodic fever-developmental delay syndrome. Last evaluated: 2024-12-04. Review status: criteria provided, single submitter. Criteria: Invitae Variant Classification Sherloc (09022015). Collection method: clinical testing. Allele origin: germline.
Comment: This sequence change replaces isoleucine, which is neutral and non-polar, with phenylalanine, which is neutral and non-polar, at codon 393 of the TRNT1 protein (p.Ile393Phe). This variant is not present in population databases (gnomAD no frequency). This variant has not been reported in the literature in individuals affected with TRNT1-related conditions. Invitae Evidence Modeling of protein sequence and biophysical properties (such as structural, functional, and spatial information, amino acid conservation, physicochemical variation, residue mobility, and thermodynamic stability) indicates that this missense variant is not expected to disrupt TRNT1 protein function with a negative predictive value of 80%. In summary, the available evidence is currently insufficient to determine the role of this variant in disease. Therefore, it has been classified as a Variant of Uncertain Significance.